The following is an entry in ClinVar:

NM_206933.4(USH2A):c.11677C>A (p.Pro3893Thr)

Gene: USH2A (usherin; minus strand). Cytogenetic location: 1q41.
Variant type: single nucleotide variant.
Coding change: c.11677C>A on transcript NM_206933.4 (MANE Select); coding-DNA position 11677, C replaced by A.
Protein change: p.Pro3893Thr; replaces proline 3893 with threonine.
Molecular consequence: missense variant.
Genome position (GRCh38, 1-based): chr1:215,741,409, G>T on the plus strand (C>A on the coding strand, the complement: USH2A is on the minus strand). VCF-style: chr1-215741409-G-T. GRCh37 (hg19) VCF-style: chr1-215914751-G-T.
Other names: p.P3893T:CCA>ACA; short protein forms P3893T.
Identifiers: ClinVar variation 48380 (VCV000048380.63), dbSNP rs41303285, ClinGen allele CA143265.

ClinVar aggregate classification (germline): Benign/Likely benign. Review status: criteria provided, multiple submitters, no conflicts (2 of 4 stars). 15 submissions from 14 submitters: Benign (8); Likely benign (4). 3 of the submissions do not count toward it. Last evaluated 2026-08-01.

Conditions:
Retinal dystrophy. Also called: Inherited retinal dystrophy. Identifiers: Orphanet 71862, MedGen C0854723, MeSH D058499, MONDO:0019118, HP:0000556.
Retinitis pigmentosa 39 (RP39). Identifiers: Orphanet 791, MedGen C3151138, MONDO:0013436, OMIM 613809.
Usher syndrome type 2A. Also called: RETINAL DISEASE IN USHER SYNDROME TYPE IIA, MODIFIER OF; USHER SYNDROME, TYPE IIA. Identifiers: Orphanet 231178, Orphanet 886, MedGen C1848634, MONDO:0010169, OMIM 276901.

Allele frequency attached by ClinVar (database versions not stated): 1000 Genomes Project 0.00619; TOPMed 0.01079; gnomAD 0.01295 and 0.01316; 1000 Genomes Project 30x 0.00703; ESP Exome Variant Server 0.01653; ExAC 0.01732; gnomAD exomes 0.01582.
gnomAD v4.1: 31,332 of 1,613,844 alleles (1.9%); highest among the groups gnomAD compares: Non-Finnish European, 2.2%; 396 homozygotes.

Submissions (15):

CeGaT Center for Human Genetics Tuebingen
Classification: Benign. Last evaluated: 2026-08-01. Review status: criteria provided, single submitter. Criteria: CeGaT Center For Human Genetics Tuebingen Variant Classification Criteria Version 2. Collection method: clinical testing. Allele origin: germline. Affected: yes. Observed: 23 variant alleles.
Comment: USH2A: BP4, BS1, BS2

Labcorp Genetics (formerly Invitae), Labcorp
Classification: Benign. Last evaluated: 2026-02-04. Review status: criteria provided, single submitter. Criteria: Invitae Variant Classification Sherloc (09022015). Collection method: clinical testing. Allele origin: germline.

Genome-Nilou Lab
Classification: Likely benign for Retinitis pigmentosa 39. Last evaluated: 2023-11-04. Review status: criteria provided, single submitter. Criteria: ACMG Guidelines, 2015. Collection method: clinical testing. Allele origin: germline. Affected: no.

Genome-Nilou Lab
Classification: Likely benign for Usher syndrome type 2A. Last evaluated: 2023-11-04. Review status: criteria provided, single submitter. Criteria: ACMG Guidelines, 2015. Collection method: clinical testing. Allele origin: germline. Affected: no.

ARUP Laboratories, Molecular Genetics and Genomics, ARUP Laboratories
Classification: Benign. Last evaluated: 2023-10-06. Review status: criteria provided, single submitter. Criteria: ARUP Molecular Germline Variant Investigation Process 2024. Collection method: clinical testing. Allele origin: germline.

Dept Of Ophthalmology, Nagoya University
Classification: Benign for Retinal dystrophy. Last evaluated: 2023-10-01. Review status: criteria provided, single submitter. Criteria: Submitter's publication. Collection method: research. Allele origin: germline. Affected: yes.

Women's Health and Genetics/Laboratory Corporation of America, LabCorp
Classification: Likely benign. Last evaluated: 2021-12-10. Review status: criteria provided, single submitter. Criteria: LabCorp Variant Classification Summary - May 2015. Collection method: clinical testing. Allele origin: germline.

Athena Diagnostics
Classification: Benign. Last evaluated: 2018-09-12. Review status: criteria provided, single submitter. Criteria: Athena Diagnostics Criteria. Collection method: clinical testing. Allele origin: germline.

Eurofins Ntd Llc (ga)
Classification: Benign. Last evaluated: 2017-03-21. Review status: criteria provided, single submitter. Criteria: EGL Classification Definitions 2015. Collection method: clinical testing. Allele origin: germline. Observed: 1 variant allele, 1 heterozygote.

GeneDx
Classification: Benign. Last evaluated: 2014-01-30. Review status: criteria provided, single submitter. Criteria: GeneDx Variant Classification (06012015). Collection method: clinical testing. Allele origin: germline. Affected: yes.
Comment: This variant is considered likely benign or benign based on one or more of the following criteria: it is a conservative change, it occurs at a poorly conserved position in the protein, it is predicted to be benign by multiple in silico algorithms, and/or has population frequency not consistent with disease.

Laboratory for Molecular Medicine, Mass General Brigham Personalized Medicine
Classification: Benign. Last evaluated: 2009-06-24. Review status: criteria provided, single submitter. Criteria: LMM Criteria. Collection method: clinical testing. Allele origin: germline. Observed: 56 variant alleles.

Breakthrough Genomics
Classification: Likely benign. Review status: criteria provided, single submitter. Criteria: ACMG Guidelines, 2015. Collection method: not provided. Allele origin: germline. Inheritance: Autosomal recessive inheritance. Affected: yes.

Natera, Inc.
Classification: Benign for Usher syndrome type 2A. Last evaluated: 2020-09-16. Review status: no assertion criteria provided. Collection method: clinical testing. Allele origin: germline. Not counted in ClinVar's aggregate classification.

Diagnostic Laboratory, Department of Genetics, University Medical Center Groningen
Classification: Likely benign. Review status: no assertion criteria provided. Collection method: clinical testing. Allele origin: germline. Affected: yes. Study: VKGL Data-share Consensus. Not counted in ClinVar's aggregate classification.

Joint Genome Diagnostic Labs from Nijmegen and Maastricht, Radboudumc and MUMC+
Classification: Benign. Review status: no assertion criteria provided. Collection method: clinical testing. Allele origin: germline. Affected: yes. Study: VKGL Data-share Consensus. Not counted in ClinVar's aggregate classification.

Literature cited by the submitters: PubMed 26927203 (cited by Athena Diagnostics); PubMed 18273898 (cited by Athena Diagnostics and Laboratory for Molecular Medicine, Mass General Brigham Personalized Medicine); PubMed 17405132 (cited by Athena Diagnostics and Laboratory for Molecular Medicine, Mass General Brigham Personalized Medicine); PubMed 22004887 (cited by Athena Diagnostics); PubMed 21569298 (cited by Athena Diagnostics); PubMed 20145675 (cited by Athena Diagnostics); PubMed 25133751 (cited by Athena Diagnostics); PubMed 20507924 (cited by Athena Diagnostics); PubMed 25999674 (cited by Athena Diagnostics).